The following is an entry in ClinVar:

NM_001126108.2(SLC12A3):c.2041C>T (p.Pro681Ser)

Gene: SLC12A3 (solute carrier family 12 member 3; plus strand). Cytogenetic location: 16q13.
Variant type: single nucleotide variant.
Coding change: c.2041C>T on transcript NM_001126108.2 (MANE Select); coding-DNA position 2041, C replaced by T.
Protein change: p.Pro681Ser; replaces proline 681 with serine.
Molecular consequence: missense variant.
Genome position (GRCh38, 1-based): chr16:56,886,956, C>T. VCF-style: chr16-56886956-C-T. GRCh37 (hg19) VCF-style: chr16-56920868-C-T.
Other names: c.2041C>T, p.Pro681Ser (NM_000339.3); c.2038C>T, p.Pro680Ser (NM_001126107.2, NM_001410896.1); c.2041C>T (NM_000339.2); short protein forms P681S, P680S.
Identifiers: ClinVar variation 3581038 (VCV003581038.2).
Genomic context (GRCh38, chr16:56,886,956, plus strand): 5'-ATCTCAGGCTGGAGGGTGAAGGCAGCTGGTGATGTCCCCTGCCCCTCCCACCCACAGGGA[C>T]CCCACAAGCAGAGGATGCCTGAGCTCCAGCTCATCGCCAACGGGCACACCAAGTGGCTGA-3'
Protein context (NP_001119580.2, residues 671-691): LMICGHVLIG[Pro681Ser]HKQRMPELQL

ClinVar aggregate classification (germline): Uncertain significance. Review status: criteria provided, multiple submitters, no conflicts (2 of 4 stars). 2 submissions from 2 submitters: Uncertain significance (2). Last evaluated 2025-10-10.

Conditions:
SLC12A3-related disorder. Also called: SLC12A3-related condition.
Familial hypokalemia-hypomagnesemia (GTLMNS). Also called: HYPOMAGNESEMIA-HYPOKALEMIA, PRIMARY RENOTUBULAR, WITH HYPOCALCIURIA; POTASSIUM AND MAGNESIUM DEPLETION; gitelman syndrome. Identifiers: Orphanet 358, MedGen C0268450, MONDO:0009904, OMIM 263800.

gnomAD v4.1: 28 of 1,613,578 alleles (0.0017%); highest among the groups gnomAD compares: African/African-American, 0.037%; no homozygotes.

Submissions (2):

PreventionGenetics, part of Exact Sciences
Classification: Uncertain significance for SLC12A3-related condition. Last evaluated: 2025-10-10. Review status: criteria provided, single submitter. Criteria: ACMG Guidelines, 2015. Collection method: clinical testing. Allele origin: germline.
Comment: The SLC12A3 c.2041C>T variant is predicted to result in the amino acid substitution p.Pro681Ser. To our knowledge, this variant has not been reported in the literature. This variant is reported in 0.032% of alleles in individuals of African descent in gnomAD. At this time, the clinical significance of this variant is uncertain due to the absence of conclusive functional and genetic evidence.

Fulgent Genetics
Classification: Uncertain significance for Familial hypokalemia-hypomagnesemia. Last evaluated: 2024-03-07. Review status: criteria provided, single submitter. Criteria: ACMG Guidelines, 2015. Collection method: clinical testing. Allele origin: germline.